The following is an entry in ClinVar:

NM_173500.4(TTBK2):c.*678A>G

Gene: TTBK2 (tau tubulin kinase 2; minus strand). Cytogenetic location: 15q15.2.
Variant type: single nucleotide variant.
Coding change: c.*678A>G on transcript NM_173500.4 (MANE Select); 678 bases downstream of the stop codon, A replaced by G.
Molecular consequence: 3 prime UTR variant.
Genome position (GRCh38, 1-based): chr15:42,745,117, T>C on the plus strand (A>G on the coding strand, the complement: TTBK2 is on the minus strand). VCF-style: chr15-42745117-T-C. GRCh37 (hg19) VCF-style: chr15-43037315-T-C.
Identifiers: ClinVar variation 315967 (VCV000315967.5), dbSNP rs78237254, ClinGen allele CA10646968.

ClinVar aggregate classification (germline): Likely benign (1 of 4 stars; one submission).

Conditions:
Spinocerebellar ataxia type 11 (SCA11). Identifiers: Orphanet 98767, MedGen C1858351, MONDO:0011464, OMIM 604432.

Allele frequency attached by ClinVar (database versions not stated): gnomAD exomes 0.00347; gnomAD 0.02514 and 0.02688; 1000 Genomes Project 0.02716; TOPMed 0.02798; 1000 Genomes Project 30x 0.02983.
gnomAD v4.1: 3,749 of 152,576 alleles (2.5%); highest among the groups gnomAD compares: African/African-American, 8.7%; 163 homozygotes.

Submission:

Illumina Laboratory Services, Illumina
Classification: Likely benign for Spinocerebellar ataxia type 11. Last evaluated: 2017-04-27. Review status: criteria provided, single submitter. Criteria: ICSL Variant Classification Criteria 13 December 2019. Collection method: clinical testing. Allele origin: germline.
Comment: This variant was observed as part of a predisposition screen in an ostensibly healthy population. A literature search was performed for the gene, cDNA change, and amino acid change (where applicable). No publications were found based on this search. Allele frequency data from public databases allowed determination this variant is unlikely to cause disease. Therefore, this variant is classified as likely benign.